The following is an entry in ClinVar:

ClinVar aggregate classification (germline): Uncertain significance (1 of 4 stars; one submission).

gnomAD v4.1: 12 of 1,614,136 alleles (0.00074%); highest among the groups gnomAD compares: Non-Finnish European, 0.00093%; no homozygotes.

Submission:

Ambry Genetics
Classification: Uncertain significance. Last evaluated: 2024-08-12. Review status: criteria provided, single submitter. Criteria: Ambry Variant Classification Scheme 2023. Collection method: clinical testing. Allele origin: germline.
Comment: The p.E83K variant (also known as c.247G>A), located in coding exon 1 of the PALLD gene, results from a G to A substitution at nucleotide position 247. The glutamic acid at codon 83 is replaced by lysine, an amino acid with similar properties. This amino acid position is conserved. In addition, this alteration is predicted to be tolerated by in silico analysis. Since supporting evidence is limited at this time, the clinical significance of this alteration remains unclear.

NM_001166108.2(PALLD):c.247G>A (p.Glu83Lys)

Gene: PALLD (palladin, cytoskeletal associated protein; plus strand). Cytogenetic location: 4q32.3.
Variant type: single nucleotide variant.
Coding change: c.247G>A on transcript NM_001166108.2 (MANE Select); coding-DNA position 247, G replaced by A.
Protein change: p.Glu83Lys; replaces glutamic acid 83 with lysine.
Molecular consequence: missense variant.
Genome position (GRCh38, 1-based): chr4:168,511,751, G>A. VCF-style: chr4-168511751-G-A. GRCh37 (hg19) VCF-style: chr4-169432902-G-A.
Other names: c.247G>A, p.Glu83Lys (NM_016081.4); short protein forms E83K.
Identifiers: ClinVar variation 1791894 (VCV001791894.3), dbSNP rs2531429724, ClinGen allele CA358725121.